The following is an entry in ClinVar:

NM_006514.4(SCN10A):c.1523G>A (p.Arg508Gln)

Gene: SCN10A (sodium voltage-gated channel alpha subunit 10; minus strand). Cytogenetic location: 3p22.2.
Variant type: single nucleotide variant.
Coding change: c.1523G>A on transcript NM_006514.4 (MANE Select); coding-DNA position 1523, G replaced by A.
Protein change: p.Arg508Gln; replaces arginine 508 with glutamine.
Molecular consequence: missense variant. On other transcripts: intron variant (1).
Genome position (GRCh38, 1-based): chr3:38,752,451, C>T on the plus strand (G>A on the coding strand, the complement: SCN10A is on the minus strand). VCF-style: chr3-38752451-C-T. GRCh37 (hg19) VCF-style: chr3-38793942-C-T.
Other names: c.1462-2267G>A (NM_001293307.2); c.1523G>A, p.Arg508Gln (NM_001293306.2); short protein forms R508Q.
Identifiers: ClinVar variation 966098 (VCV000966098.9), dbSNP rs368776882, ClinGen allele CA2320823.

ClinVar aggregate classification (germline): Uncertain significance. Review status: criteria provided, multiple submitters, no conflicts (2 of 4 stars). 3 submissions from 3 submitters: Uncertain significance (3). Last evaluated 2026-05-27.

Conditions:
SCN10A-related disorder. Also called: SCN10A-related condition.
Cardiovascular phenotype. Identifiers: MedGen CN230736.
Brugada syndrome. Also called: Sudden unexplained nocturnal death syndrome; Sudden Unexplained Nocturnal Death Syndrome (SUNDS); Sudden unexpected nocturnal death syndrome; Sudden Unexplained Death Syndrome. Identifiers: Orphanet 130, MedGen C1142166, MONDO:0015263.

Allele frequency attached by ClinVar (database versions not stated): gnomAD 0.00001; ExAC 0.00002; TOPMed 0.00002; gnomAD exomes 0.00003 and 0.00005; ESP Exome Variant Server 0.00008.
gnomAD v4.1: 71 of 1,612,280 alleles (0.0044%); highest among the groups gnomAD compares: Non-Finnish European, 0.0053%; no homozygotes.

Submissions (3):

PreventionGenetics, part of Exact Sciences
Classification: Uncertain significance for SCN10A-related condition. Last evaluated: 2026-05-27. Review status: criteria provided, single submitter. Criteria: ACMG Guidelines, 2015. Collection method: clinical testing. Allele origin: germline.
Comment: The SCN10A c.1523G>A variant is predicted to result in the amino acid substitution p.Arg508Gln. This variant has been reported as a variant of uncertain significance in an individual with sudden unexplained death (Supp. Table 3, Lin et al. 2017. PubMed ID: 29247119). This variant is reported in 0.0055% of alleles in individuals of East Asian descent in gnomAD. Although we suspect that this variant may be benign, at this time, the clinical significance of this variant is uncertain due to the absence of conclusive functional and genetic evidence.

Labcorp Genetics (formerly Invitae), Labcorp
Classification: Uncertain significance for Brugada syndrome. Last evaluated: 2025-12-20. Review status: criteria provided, single submitter. Criteria: Invitae Variant Classification Sherloc (09022015). Collection method: clinical testing. Allele origin: germline.
Comment: This sequence change replaces arginine, which is basic and polar, with glutamine, which is neutral and polar, at codon 508 of the SCN10A protein (p.Arg508Gln). This variant is present in population databases (rs368776882, gnomAD 0.006%). This missense change has been observed in individual(s) with sudden unexplained death (PMID: 29247119). ClinVar contains an entry for this variant (Variation ID: 966098). Invitae Evidence Modeling of protein sequence and biophysical properties (such as structural, functional, and spatial information, amino acid conservation, physicochemical variation, residue mobility, and thermodynamic stability) indicates that this missense variant is not expected to disrupt SCN10A protein function with a negative predictive value of 80%. Algorithms developed to predict the effect of sequence changes on RNA splicing suggest that this variant may create or strengthen a splice site. In summary, the available evidence is currently insufficient to determine the role of this variant in disease. Therefore, it has been classified as a Variant of Uncertain Significance.

Ambry Genetics
Classification: Uncertain significance for Cardiovascular phenotype. Last evaluated: 2025-04-01. Review status: criteria provided, single submitter. Criteria: Ambry Variant Classification Scheme 2023. Collection method: clinical testing. Allele origin: germline.

Literature cited by the submitters: PubMed 29247119 (cited by Labcorp Genetics (formerly Invitae), Labcorp).